The following is an entry in ClinVar:

ClinVar aggregate classification (germline): Conflicting classifications of pathogenicity. Review status: criteria provided, conflicting classifications (1 of 4 stars). 6 submissions from 4 submitters: Uncertain significance (1); Benign (3); Likely benign (2). Last evaluated 2024-06-12.

Conditions:
Inborn genetic diseases. Identifiers: MedGen C0950123, MeSH D030342.
Greig cephalopolysyndactyly syndrome (GCPS). Also called: POLYSYNDACTYLY WITH PECULIAR SKULL SHAPE; GLI3-Related Greig Cephalopolysyndactyly Syndrome; Greig syndrome. Identifiers: Orphanet 380, MedGen C0265306, MONDO:0008287, OMIM 175700.
Pallister-Hall syndrome (PHS). Also called: HYPOTHALAMIC HAMARTOBLASTOMA, HYPOPITUITARISM, IMPERFORATE ANUS, AND POSTAXIAL POLYDACTYLY; GLI3-Related Pallister-Hall Syndrome. Identifiers: Orphanet 672, MedGen C0265220, MONDO:0007804, OMIM 146510.
Polydactyly. Also called: polydactylism. Identifiers: MedGen C0152427, MONDO:0021003, OMIM 603596, HP:0010442.

Allele frequency attached by ClinVar (database versions not stated): ESP Exome Variant Server 0.00008; TOPMed 0.00014.
gnomAD v4.1: 195 of 1,613,600 alleles (0.012%); highest among the groups gnomAD compares: Non-Finnish European, 0.014%; no homozygotes.

Submissions (6):

Labcorp Genetics (formerly Invitae), Labcorp
Classification: Likely benign for Pallister-Hall syndrome; Greig cephalopolysyndactyly syndrome. Last evaluated: 2024-06-12. Review status: criteria provided, single submitter. Criteria: Invitae Variant Classification Sherloc (09022015). Collection method: clinical testing. Allele origin: germline.

Ambry Genetics
Classification: Uncertain significance for Inborn genetic diseases. Last evaluated: 2021-08-17. Review status: criteria provided, single submitter. Criteria: Ambry Variant Classification Scheme 2023. Collection method: clinical testing. Allele origin: germline.

Illumina Laboratory Services, Illumina
Classification: Benign for Polydactyly. Last evaluated: 2018-01-13. Review status: criteria provided, single submitter. Criteria: ICSL Variant Classification Criteria 13 December 2019. Collection method: clinical testing. Allele origin: germline.
Comment: This variant was observed in the ICSL laboratory as part of a predisposition screen in an ostensibly healthy population. It had not been previously curated by ICSL or reported in the Human Gene Mutation Database (HGMD: prior to June 1st, 2018), and was therefore a candidate for classification through an automated scoring system. Utilizing variant allele frequency, disease prevalence and penetrance estimates, and inheritance mode, an automated score was calculated to assess if this variant is too frequent to cause the disease. Based on the score and internal cut-off values, a variant classified as benign is not then subjected to further curation. The score for this variant resulted in a classification of benign for this disease.

Illumina Laboratory Services, Illumina
Classification: Benign for Greig cephalopolysyndactyly syndrome. Last evaluated: 2018-01-13. Review status: criteria provided, single submitter. Criteria: ICSL Variant Classification Criteria 13 December 2019. Collection method: clinical testing. Allele origin: germline.
Comment: the same text as in the submission from Illumina Laboratory Services, Illumina above.

Illumina Laboratory Services, Illumina
Classification: Benign for Pallister-Hall syndrome. Last evaluated: 2018-01-13. Review status: criteria provided, single submitter. Criteria: ICSL Variant Classification Criteria 13 December 2019. Collection method: clinical testing. Allele origin: germline.
Comment: the same text as in the submission from Illumina Laboratory Services, Illumina above.

Genetic Services Laboratory, University of Chicago
Classification: Likely benign. Last evaluated: 2015-04-15. Review status: criteria provided, single submitter. Criteria: ACMG Guidelines, 2015. Collection method: clinical testing. Allele origin: germline.

NM_000168.6(GLI3):c.1207G>A (p.Val403Ile)

Gene: GLI3 (GLI family zinc finger 3; minus strand). Cytogenetic location: 7p14.1.
Variant type: single nucleotide variant.
Coding change: c.1207G>A on transcript NM_000168.6 (MANE Select); coding-DNA position 1207, G replaced by A.
Protein change: p.Val403Ile; replaces valine 403 with isoleucine.
Molecular consequence: missense variant.
Genome position (GRCh38, 1-based): chr7:42,026,234, C>T on the plus strand (G>A on the coding strand, the complement: GLI3 is on the minus strand). VCF-style: chr7-42026234-C-T. GRCh37 (hg19) VCF-style: chr7-42065833-C-T.
Other names: short protein forms V403I.
Identifiers: ClinVar variation 211081 (VCV000211081.14), dbSNP rs201070431, ClinGen allele CA207359.